The following is an entry in ClinVar:

NM_004970.3(IGFALS):c.832G>T (p.Val278Leu)

Gene: IGFALS (insulin like growth factor binding protein acid labile subunit; minus strand). Cytogenetic location: 16p13.3.
Variant type: single nucleotide variant.
Coding change: c.832G>T on transcript NM_004970.3 (MANE Select); coding-DNA position 832, G replaced by T.
Protein change: p.Val278Leu; replaces valine 278 with leucine.
Molecular consequence: missense variant. On other transcripts: non-coding transcript variant (1).
Genome position (GRCh38, 1-based): chr16:1,791,586, C>A on the plus strand (G>T on the coding strand, the complement: IGFALS is on the minus strand). VCF-style: chr16-1791586-C-A. GRCh37 (hg19) VCF-style: chr16-1841587-C-A.
Other names: c.946G>T, p.Val316Leu (NM_001146006.2); short protein forms V278L, V316L.
Identifiers: ClinVar variation 4795554 (VCV004795554.1).

ClinVar aggregate classification (germline): Uncertain significance (1 of 4 stars; one submission).

Submission:

GeneDx
Classification: Uncertain significance. Last evaluated: 2025-08-11. Review status: criteria provided, single submitter. Criteria: GeneDx Variant Classification Process June 2021. Collection method: clinical testing. Allele origin: germline. Affected: yes.
Comment: Not observed at significant frequency in large population cohorts (gnomAD); In silico analysis suggests that this missense variant does not alter protein structure/function; Has not been previously published as pathogenic or benign to our knowledge